The following is an entry in ClinVar:

ClinVar aggregate classification (germline): Uncertain significance. Review status: criteria provided, multiple submitters, no conflicts (2 of 4 stars). 5 submissions from 5 submitters: Uncertain significance (5). Last evaluated 2025-08-20.

Conditions:
Primary ciliary dyskinesia. Also called: Ciliary dyskinesia. Identifiers: Orphanet 244, MedGen C0008780, MONDO:0016575, HP:0012265.
Primary ciliary dyskinesia 23 (CILD23). Also called: CILIARY DYSKINESIA, PRIMARY, 23, WITH OR WITHOUT SITUS INVERSUS. Identifiers: Orphanet 244, MedGen C3809548, MONDO:0014193, OMIM 615451.

Allele frequency attached by ClinVar (database versions not stated): gnomAD 0.00003; ESP Exome Variant Server 0.00008; gnomAD exomes 0.00008; TOPMed 0.00008.
gnomAD v4.1: 276 of 1,605,036 alleles (0.017%); highest among the groups gnomAD compares: Non-Finnish European, 0.022%; no homozygotes.

Submissions (5):

Mayo Clinic Laboratories, Mayo Clinic
Classification: Uncertain significance. Last evaluated: 2025-08-20. Review status: criteria provided, single submitter. Criteria: ACMG Guidelines, 2015. Collection method: clinical testing. Allele origin: germline. Observed: 1 variant allele.
Comment: BP4

Ambry Genetics
Classification: Uncertain significance for Primary ciliary dyskinesia. Last evaluated: 2025-02-12. Review status: criteria provided, single submitter. Criteria: Ambry Variant Classification Scheme 2023. Collection method: clinical testing. Allele origin: germline.

Labcorp Genetics (formerly Invitae), Labcorp
Classification: Uncertain significance for Primary ciliary dyskinesia 23. Last evaluated: 2025-01-27. Review status: criteria provided, single submitter. Criteria: Invitae Variant Classification Sherloc (09022015). Collection method: clinical testing. Allele origin: germline.
Comment: This sequence change replaces arginine, which is basic and polar, with cysteine, which is neutral and slightly polar, at codon 440 of the ARMC4 protein (p.Arg440Cys). This variant is present in population databases (rs376424270, gnomAD 0.02%). This variant has not been reported in the literature in individuals affected with ARMC4-related conditions. ClinVar contains an entry for this variant (Variation ID: 541496). An algorithm developed to predict the effect of missense changes on protein structure and function (PolyPhen-2) suggests that this variant is likely to be disruptive. In summary, the available evidence is currently insufficient to determine the role of this variant in disease. Therefore, it has been classified as a Variant of Uncertain Significance.

Blueprint Genetics
Classification: Uncertain significance. Last evaluated: 2024-09-09. Review status: criteria provided, single submitter. Criteria: ACMG Guidelines, 2015. Collection method: clinical testing. Allele origin: germline.

GeneDx
Classification: Uncertain significance. Last evaluated: 2023-10-11. Review status: criteria provided, single submitter. Criteria: GeneDx Variant Classification Process June 2021. Collection method: clinical testing. Allele origin: germline. Affected: yes.
Comment: In silico analysis supports that this missense variant has a deleterious effect on protein structure/function; Has not been previously published as pathogenic or benign to our knowledge

NM_018076.5(ODAD2):c.1318C>T (p.Arg440Cys)

Gene: ODAD2 (outer dynein arm docking complex subunit 2; minus strand). Cytogenetic location: 10p12.1.
Variant type: single nucleotide variant.
Coding change: c.1318C>T on transcript NM_018076.5 (MANE Select); coding-DNA position 1318, C replaced by T.
Protein change: p.Arg440Cys; replaces arginine 440 with cysteine.
Molecular consequence: missense variant. On other transcripts: 5 prime UTR variant (1).
Genome position (GRCh38, 1-based): chr10:27,961,636, G>A on the plus strand (C>T on the coding strand, the complement: ODAD2 is on the minus strand). VCF-style: chr10-27961636-G-A. GRCh37 (hg19) VCF-style: chr10-28250565-G-A.
Other names: p.Arg440Cys; c.394C>T, p.Arg132Cys (NM_001312689.2); c.-108C>T (NM_001290021.2); c.1318C>T, p.Arg440Cys (NM_001290020.2); c.1318C>T (NM_018076.3); short protein forms R440C, R132C.
Identifiers: ClinVar variation 541496 (VCV000541496.13), dbSNP rs376424270, ClinGen allele CA5453582.